The following is an entry in ClinVar:

ClinVar aggregate classification (germline): Uncertain significance (1 of 4 stars; one submission).

Submission:

Athena Diagnostics
Classification: Uncertain significance. Last evaluated: 2024-05-03. Review status: criteria provided, single submitter. Criteria: Athena Diagnostics Criteria. Collection method: clinical testing. Allele origin: unknown.
Comment: Available data are insufficient to determine the clinical significance of the variant at this time. This variant has not been reported in large, multi-ethnic general populations. Polyphen and MutationTaster predict this amino acid change may be benign.

NM_182961.4(SYNE1):c.17513C>A (p.Thr5838Lys)

Genes: SYNE1 (spectrin repeat containing nuclear envelope protein 1; minus strand), LOC129997480 (ATAC-STARR-seq lymphoblastoid active region 25287; plus strand). Cytogenetic location: 6q25.2.
Variant type: single nucleotide variant.
Coding change: c.17513C>A on transcript NM_182961.4 (MANE Select); coding-DNA position 17513, C replaced by A.
Protein change: p.Thr5838Lys; replaces threonine 5838 with lysine.
Molecular consequence: missense variant.
Genome position (GRCh38, 1-based): chr6:152,301,897, G>T on the plus strand (C>A on the coding strand, the complement: SYNE1 is on the minus strand). VCF-style: chr6-152301897-G-T. GRCh37 (hg19) VCF-style: chr6-152623032-G-T.
Other names: c.17300C>A, p.Thr5767Lys (NM_033071.5); short protein forms T5767K, T5838K.
Identifiers: ClinVar variation 3571696 (VCV003571696.1).